The following is an entry in ClinVar:

NM_001164508.2(NEB):c.2993A>G (p.Asp998Gly)

Gene: NEB (nebulin; minus strand). Cytogenetic location: 2q23.3.
Variant type: single nucleotide variant.
Coding change: c.2993A>G on transcript NM_001164508.2 (MANE Select); coding-DNA position 2993, A replaced by G.
Protein change: p.Asp998Gly; replaces aspartic acid 998 with glycine.
Molecular consequence: missense variant.
Genome position (GRCh38, 1-based): chr2:151,680,779, T>C on the plus strand (A>G on the coding strand, the complement: NEB is on the minus strand). VCF-style: chr2-151680779-T-C. GRCh37 (hg19) VCF-style: chr2-152537293-T-C.
Other names: c.2993A>G, p.Asp998Gly (NM_001164507.2, NM_001271208.2, NM_004543.5); short protein forms D998G.
Identifiers: ClinVar variation 4782016 (VCV004782016.1).

ClinVar aggregate classification (germline): Uncertain significance (1 of 4 stars; one submission).

Conditions:
Nemaline myopathy 2 (NEM2). Also called: Nemaline myopathy 2, autosomal recessive. Identifiers: MedGen C1850569, MONDO:0009725, OMIM 256030.

gnomAD v4.1: 1 of 1,613,524 alleles (0.000062%); highest among the groups gnomAD compares: Non-Finnish European, 0.000085%; no homozygotes.

Submission:

Labcorp Genetics (formerly Invitae), Labcorp
Classification: Uncertain significance for Nemaline myopathy 2. Last evaluated: 2025-08-23. Review status: criteria provided, single submitter. Criteria: Invitae Variant Classification Sherloc (09022015). Collection method: clinical testing. Allele origin: germline.
Comment: This sequence change replaces aspartic acid, which is acidic and polar, with glycine, which is neutral and non-polar, at codon 998 of the NEB protein (p.Asp998Gly). This variant is not present in population databases (gnomAD no frequency). This variant has not been reported in the literature in individuals affected with NEB-related conditions. Experimental studies and prediction algorithms are not available or were not evaluated, and the functional significance of this variant is currently unknown. In summary, the available evidence is currently insufficient to determine the role of this variant in disease. Therefore, it has been classified as a Variant of Uncertain Significance.